The following is an entry in ClinVar:

NM_003737.4(DCHS1):c.5160A>T (p.Thr1720=)

Gene: DCHS1 (dachsous cadherin-related 1; minus strand). Cytogenetic location: 11p15.4.
Variant type: single nucleotide variant.
Coding change: c.5160A>T on transcript NM_003737.4 (MANE Select); coding-DNA position 5160, A replaced by T.
Protein change: p.Thr1720=; no amino-acid change (threonine 1720 retained).
Molecular consequence: synonymous variant.
Genome position (GRCh38, 1-based): chr11:6,629,453, T>A on the plus strand (A>T on the coding strand, the complement: DCHS1 is on the minus strand). VCF-style: chr11-6629453-T-A. GRCh37 (hg19) VCF-style: chr11-6650684-T-A.
Identifiers: ClinVar variation 1258004 (VCV001258004.37), dbSNP rs117031105, ClinGen allele CA5860166.

ClinVar aggregate classification (germline): Benign. Review status: criteria provided, multiple submitters, no conflicts (2 of 4 stars). 4 submissions from 4 submitters: Benign (4). Last evaluated 2026-09-01.

Allele frequency attached by ClinVar (database versions not stated): 1000 Genomes Project 30x 0.00671; 1000 Genomes Project 0.00719; TOPMed 0.00832; gnomAD 0.00893 and 0.00894; ESP Exome Variant Server 0.00939; gnomAD exomes 0.00992; ExAC 0.01136.
gnomAD v4.1: 20,884 of 1,612,916 alleles (1.3%); highest among the groups gnomAD compares: East Asian, 3.5%; 194 homozygotes.

Submissions (16):

CeGaT Center for Human Genetics Tuebingen
Classification: Benign. Last evaluated: 2026-09-01. Review status: criteria provided, single submitter. Criteria: CeGaT Center For Human Genetics Tuebingen Variant Classification Criteria Version 2. Collection method: clinical testing. Allele origin: germline. Affected: yes. Observed: 48 variant alleles.
Comment: DCHS1: BS1, BS2

Labcorp Genetics (formerly Invitae), Labcorp
Classification: Benign. Last evaluated: 2026-02-03. Review status: criteria provided, single submitter. Criteria: Invitae Variant Classification Sherloc (09022015). Collection method: clinical testing. Allele origin: germline.

GeneDx
Classification: Benign. Last evaluated: 2018-11-13. Review status: criteria provided, single submitter. Criteria: GeneDx Variant Classification Process June 2021. Collection method: clinical testing. Allele origin: germline. Affected: yes.
Comment: This variant is associated with the following publications: (PMID: 28512736)

Breakthrough Genomics
Classification: Benign. Review status: criteria provided, single submitter. Criteria: ACMG Guidelines, 2015. Collection method: not provided. Allele origin: germline. Inheritance: Autosomal recessive inheritance. Affected: yes.

Dr. Peter K. Rogan Lab, Western University
No classification provided (evidence only). Condition: Clear cell carcinoma of kidney. Review status: no classification provided. Collection method: in vitro. Allele origin: not applicable. Functional consequence: retained intron. Not counted in ClinVar's aggregate classification.

Dr. Peter K. Rogan Lab, Western University
No classification provided (evidence only). Condition: Acute myeloid leukemia. Review status: no classification provided. Collection method: in vitro. Allele origin: not applicable. Functional consequence: retained intron. Not counted in ClinVar's aggregate classification.

Dr. Peter K. Rogan Lab, Western University
No classification provided (evidence only). Condition: Acute myeloid leukemia. Review status: no classification provided. Collection method: in vitro. Allele origin: not applicable. Functional consequence: retained intron. Not counted in ClinVar's aggregate classification.

Dr. Peter K. Rogan Lab, Western University
No classification provided (evidence only). Condition: Colorectal cancer. Review status: no classification provided. Collection method: in vitro. Allele origin: not applicable. Functional consequence: retained intron. Not counted in ClinVar's aggregate classification.

Dr. Peter K. Rogan Lab, Western University
No classification provided (evidence only). Condition: Uterine corpus endometrial carcinoma. Review status: no classification provided. Collection method: in vitro. Allele origin: not applicable. Functional consequence: retained intron. Not counted in ClinVar's aggregate classification.

Dr. Peter K. Rogan Lab, Western University
No classification provided (evidence only). Condition: Sarcoma. Review status: no classification provided. Collection method: in vitro. Allele origin: not applicable. Functional consequence: skipped exon. Not counted in ClinVar's aggregate classification.

Dr. Peter K. Rogan Lab, Western University
No classification provided (evidence only). Condition: Ovarian serous cystadenocarcinoma. Review status: no classification provided. Collection method: in vitro. Allele origin: not applicable. Functional consequence: retained intron. Not counted in ClinVar's aggregate classification.

Dr. Peter K. Rogan Lab, Western University
No classification provided (evidence only). Condition: Ovarian serous cystadenocarcinoma. Review status: no classification provided. Collection method: in vitro. Allele origin: not applicable. Functional consequence: retained intron. Not counted in ClinVar's aggregate classification.

Dr. Peter K. Rogan Lab, Western University
No classification provided (evidence only). Condition: Ovarian serous cystadenocarcinoma. Review status: no classification provided. Collection method: in vitro. Allele origin: not applicable. Functional consequence: retained intron. Not counted in ClinVar's aggregate classification.

Dr. Peter K. Rogan Lab, Western University
No classification provided (evidence only). Condition: Ovarian serous cystadenocarcinoma. Review status: no classification provided. Collection method: in vitro. Allele origin: not applicable. Functional consequence: retained intron. Not counted in ClinVar's aggregate classification.

Dr. Peter K. Rogan Lab, Western University
No classification provided (evidence only). Condition: Malignant tumor of esophagus. Review status: no classification provided. Collection method: in vitro. Allele origin: not applicable. Functional consequence: skipped exon, retained intron. Not counted in ClinVar's aggregate classification.

Dr. Peter K. Rogan Lab, Western University
No classification provided (evidence only). Condition: Malignant tumor of esophagus. Review status: no classification provided. Collection method: in vitro. Allele origin: not applicable. Functional consequence: retained intron. Not counted in ClinVar's aggregate classification.